The following is an entry in ClinVar:

ClinVar aggregate classification (germline): Uncertain significance (1 of 4 stars; one submission).

gnomAD v4.1: 1 of 1,612,700 alleles (0.000062%); no homozygotes.

Submission:

GeneDx
Classification: Uncertain significance. Last evaluated: 2026-08-12. Review status: criteria provided, single submitter. Criteria: GeneDx Variant Classification Process June 2021. Collection method: clinical testing. Allele origin: germline.
Comment: Not observed at significant frequency in large population cohorts (gnomAD); In silico analysis suggests that this missense variant does not alter protein structure/function; Has not been previously published as pathogenic or benign to our knowledge

NM_001039141.3(TRIOBP):c.2375G>A (p.Arg792Lys)

Gene: TRIOBP (TRIO and F-actin binding protein; plus strand). Cytogenetic location: 22q13.1.
Variant type: single nucleotide variant.
Coding change: c.2375G>A on transcript NM_001039141.3 (MANE Select); coding-DNA position 2375, G replaced by A.
Protein change: p.Arg792Lys; replaces arginine 792 with lysine.
Molecular consequence: missense variant.
Genome position (GRCh38, 1-based): chr22:37,724,931, G>A. VCF-style: chr22-37724931-G-A. GRCh37 (hg19) VCF-style: chr22-38120938-G-A.
Other names: short protein forms R792K.
Identifiers: ClinVar variation 3731051 (VCV003731051.2).